The following is an entry in ClinVar:

NM_000814.6(GABRB3):c.943G>A (p.Val315Ile)

Gene: GABRB3 (gamma-aminobutyric acid type A receptor subunit beta3; minus strand). Cytogenetic location: 15q12.
Variant type: single nucleotide variant.
Coding change: c.943G>A on transcript NM_000814.6 (MANE Select); coding-DNA position 943, G replaced by A.
Protein change: p.Val315Ile; replaces valine 315 with isoleucine.
Molecular consequence: missense variant.
Genome position (GRCh38, 1-based): chr15:26,561,069, C>T on the plus strand (G>A on the coding strand, the complement: GABRB3 is on the minus strand). VCF-style: chr15-26561069-C-T. GRCh37 (hg19) VCF-style: chr15-26806216-C-T.
Other names: c.688G>A, p.Val230Ile (NM_001191320.2, NM_001278631.2); c.730G>A, p.Val244Ile (NM_001191321.3); c.943G>A, p.Val315Ile (NM_021912.5); c.943G>A (NM_000814.5); short protein forms V230I, V244I, V315I.
Identifiers: ClinVar variation 1035126 (VCV001035126.9), dbSNP rs1889964397, ClinGen allele CA391461964.

ClinVar aggregate classification (germline): Uncertain significance. Review status: criteria provided, multiple submitters, no conflicts (2 of 4 stars). 2 submissions from 2 submitters: Uncertain significance (2). Last evaluated 2026-03-03.

Conditions:
Inborn genetic diseases. Identifiers: MedGen C0950123, MeSH D030342.
Epilepsy, childhood absence, susceptibility to, 1. Also called: Epilepsy, childhood absence 1. Identifiers: Orphanet 64280, MedGen C1838604, MONDO:0020759, OMIM 600131.
Epilepsy, childhood absence, susceptibility to, 5. Identifiers: Orphanet 64280, MedGen C2677087, MONDO:0012843, OMIM 612269.

Allele frequency attached by ClinVar (database versions not stated): gnomAD exomes below 0.00001.
gnomAD v4.1: 1 of 1,614,088 alleles (0.000062%); highest among the groups gnomAD compares: Non-Finnish European, 0.000085%; no homozygotes.

Submissions (2):

Ambry Genetics
Classification: Uncertain significance for Inborn genetic diseases. Last evaluated: 2026-03-03. Review status: criteria provided, single submitter. Criteria: Ambry Variant Classification Scheme 2023. Collection method: clinical testing. Allele origin: germline.

Labcorp Genetics (formerly Invitae), Labcorp
Classification: Uncertain significance for Epilepsy, childhood absence, susceptibility to, 5; Epilepsy, childhood absence, susceptibility to, 1. Last evaluated: 2022-02-10. Review status: criteria provided, single submitter. Criteria: Invitae Variant Classification Sherloc (09022015). Collection method: clinical testing. Allele origin: germline.
Comment: In summary, the available evidence is currently insufficient to determine the role of this variant in disease. Therefore, it has been classified as a Variant of Uncertain Significance. Advanced modeling of protein sequence and biophysical properties (such as structural, functional, and spatial information, amino acid conservation, physicochemical variation, residue mobility, and thermodynamic stability) performed at Invitae indicates that this missense variant is expected to disrupt GABRB3 protein function. ClinVar contains an entry for this variant (Variation ID: 1035126). This variant has not been reported in the literature in individuals affected with GABRB3-related conditions. This variant is not present in population databases (gnomAD no frequency). This sequence change replaces valine, which is neutral and non-polar, with isoleucine, which is neutral and non-polar, at codon 315 of the GABRB3 protein (p.Val315Ile).